The following is an entry in ClinVar:

ClinVar aggregate classification (germline): Uncertain significance (1 of 4 stars; one submission).

gnomAD v4.1: 1 of 1,613,978 alleles (0.000062%); highest among the groups gnomAD compares: Non-Finnish European, 0.000085%; no homozygotes.

Submission:

GeneDx
Classification: Uncertain significance. Last evaluated: 2026-10-20. Review status: criteria provided, single submitter. Criteria: GeneDx Variant Classification Process June 2021. Collection method: clinical testing. Allele origin: germline.
Comment: Not observed at significant frequency in large population cohorts (gnomAD); In silico analysis supports that this missense variant has a deleterious effect on protein structure/function; Has not been previously published as pathogenic or benign to our knowledge

NM_001395159.1(UNC79):c.6530A>G (p.Asp2177Gly)

Gene: UNC79 (unc-79 subunit of NALCN channel complex; plus strand). Cytogenetic location: 14q32.12.
Variant type: single nucleotide variant.
Coding change: c.6530A>G on transcript NM_001395159.1 (MANE Select); coding-DNA position 6530, A replaced by G.
Protein change: p.Asp2177Gly; replaces aspartic acid 2177 with glycine.
Molecular consequence: missense variant.
Genome position (GRCh38, 1-based): chr14:93,653,940, A>G. VCF-style: chr14-93653940-A-G. GRCh37 (hg19) VCF-style: chr14-94120286-A-G.
Other names: c.6464A>G, p.Asp2155Gly (NM_001346218.2); c.5783A>G, p.Asp1928Gly (NM_020818.5); short protein forms D1928G, D2155G, D2177G.
Identifiers: ClinVar variation 3391674 (VCV003391674.2).